The following is an entry in ClinVar:

ClinVar aggregate classification (germline): Uncertain significance. Review status: criteria provided, multiple submitters, no conflicts (2 of 4 stars). 2 submissions from 2 submitters: Uncertain significance (2). Last evaluated 2025-08-14.

Conditions:
Familial focal epilepsy with variable foci (FPEVF). Identifiers: Orphanet 98820, MedGen C1858477, MONDO:0020310.
Inborn genetic diseases. Identifiers: MedGen C0950123, MeSH D030342.

Allele frequency attached by ClinVar (database versions not stated): gnomAD 0.00001; TOPMed 0.00001; ExAC 0.00001.
gnomAD v4.1: 9 of 1,614,052 alleles (0.00056%); highest among the groups gnomAD compares: South Asian, 0.0022%; no homozygotes.

Submissions (2):

Labcorp Genetics (formerly Invitae), Labcorp
Classification: Uncertain significance for Familial focal epilepsy with variable foci. Last evaluated: 2025-08-14. Review status: criteria provided, single submitter. Criteria: Invitae Variant Classification Sherloc (09022015). Collection method: clinical testing. Allele origin: germline.
Comment: This sequence change replaces arginine, which is basic and polar, with tryptophan, which is neutral and slightly polar, at codon 474 of the DEPDC5 protein (p.Arg474Trp). This variant is present in population databases (rs780828885, gnomAD 0.004%). This variant has not been reported in the literature in individuals affected with DEPDC5-related conditions. ClinVar contains an entry for this variant (Variation ID: 2882366). Experimental studies and prediction algorithms are not available or were not evaluated, and the functional significance of this variant is currently unknown. In summary, the available evidence is currently insufficient to determine the role of this variant in disease. Therefore, it has been classified as a Variant of Uncertain Significance.

Ambry Genetics
Classification: Uncertain significance for Inborn genetic diseases. Last evaluated: 2025-08-12. Review status: criteria provided, single submitter. Criteria: Ambry Variant Classification Scheme 2023. Collection method: clinical testing. Allele origin: germline.

NM_001242896.3(DEPDC5):c.1420C>T (p.Arg474Trp)

Gene: DEPDC5 (DEP domain containing 5, GATOR1 subcomplex subunit; plus strand). Cytogenetic location: 22q12.3.
Variant type: single nucleotide variant.
Coding change: c.1420C>T on transcript NM_001242896.3 (MANE Select); coding-DNA position 1420, C replaced by T.
Protein change: p.Arg474Trp; replaces arginine 474 with tryptophan.
Molecular consequence: missense variant. On other transcripts: non-coding transcript variant (5).
Genome position (GRCh38, 1-based): chr22:31,810,616, C>T. VCF-style: chr22-31810616-C-T. GRCh37 (hg19) VCF-style: chr22-32206602-C-T.
Other names: c.1420C>T, p.Arg474Trp (NM_001007188.4, NM_001136029.4, NM_001242897.2 and 7 more transcripts); c.1336C>T, p.Arg446Trp (NM_001369901.1, NM_001369902.1); c.1420C>T (NM_001242896.1); short protein forms R446W, R474W.
Identifiers: ClinVar variation 2882366 (VCV002882366.4), dbSNP rs780828885, ClinGen allele CA10196364.